The following is an entry in ClinVar:

ClinVar aggregate classification (germline): Uncertain significance (1 of 4 stars; one submission).

Conditions:
Inborn genetic diseases. Identifiers: MedGen C0950123, MeSH D030342.

Submission:

Ambry Genetics
Classification: Uncertain significance for Inborn genetic diseases. Last evaluated: 2025-12-16. Review status: criteria provided, single submitter. Criteria: Ambry Variant Classification Scheme 2023. Collection method: clinical testing. Allele origin: germline.
Comment: The p.P156L variant (also known as c.467C>T), located in coding exon 2 of the KDM1A gene, results from a C to T substitution at nucleotide position 467. The proline at codon 156 is replaced by leucine, an amino acid with similar properties. This amino acid position is conserved. In addition, this alteration is predicted to be tolerated by in silico analysis. Based on the available evidence, the clinical significance of this variant remains unclear.

NM_001009999.3(KDM1A):c.467C>T (p.Pro156Leu)

Gene: KDM1A (lysine demethylase 1A; plus strand). Cytogenetic location: 1p36.12.
Variant type: single nucleotide variant.
Coding change: c.467C>T on transcript NM_001009999.3 (MANE Select); coding-DNA position 467, C replaced by T.
Protein change: p.Pro156Leu; replaces proline 156 with leucine.
Molecular consequence: missense variant.
Genome position (GRCh38, 1-based): chr1:23,030,584, C>T. VCF-style: chr1-23030584-C-T. GRCh37 (hg19) VCF-style: chr1-23357077-C-T.
Other names: c.467C>T, p.Pro156Leu (NM_001363654.2, NM_001410762.1, NM_001410763.1 and 1 more transcripts); short protein forms P156L.
Identifiers: ClinVar variation 4841900 (VCV004841900.1).